The following is an entry in ClinVar:

NM_006662.3(SRCAP):c.8642C>T (p.Pro2881Leu)

Gene: SRCAP (Snf2 related CREBBP activator protein; plus strand). Cytogenetic location: 16p11.2.
Variant type: single nucleotide variant.
Coding change: c.8642C>T on transcript NM_006662.3 (MANE Select); coding-DNA position 8642, C replaced by T.
Protein change: p.Pro2881Leu; replaces proline 2881 with leucine.
Molecular consequence: missense variant.
Genome position (GRCh38, 1-based): chr16:30,738,682, C>T. VCF-style: chr16-30738682-C-T. GRCh37 (hg19) VCF-style: chr16-30750003-C-T.
Other names: c.8642C>T (NM_006662.2); short protein forms P2881L.
Identifiers: ClinVar variation 1417221 (VCV001417221.7), dbSNP rs377394919, ClinGen allele CA8012739.

ClinVar aggregate classification (germline): Uncertain significance. Review status: criteria provided, multiple submitters, no conflicts (2 of 4 stars). 2 submissions from 2 submitters: Uncertain significance (2). Last evaluated 2025-01-15.

Conditions:
Inborn genetic diseases. Identifiers: MedGen C0950123, MeSH D030342.

Allele frequency attached by ClinVar (database versions not stated): gnomAD exomes below 0.00001 and 0.00003; gnomAD 0.00001 and 0.00002; ExAC 0.00002; TOPMed 0.00002; ESP Exome Variant Server 0.00008.
gnomAD v4.1: 41 of 1,613,652 alleles (0.0025%); highest among the groups gnomAD compares: Non-Finnish European, 0.0035%; no homozygotes.

Submissions (2):

Labcorp Genetics (formerly Invitae), Labcorp
Classification: Uncertain significance. Last evaluated: 2025-01-15. Review status: criteria provided, single submitter. Criteria: Invitae Variant Classification Sherloc (09022015). Collection method: clinical testing. Allele origin: germline.
Comment: This sequence change replaces proline, which is neutral and non-polar, with leucine, which is neutral and non-polar, at codon 2881 of the SRCAP protein (p.Pro2881Leu). This variant is present in population databases (rs377394919, gnomAD 0.008%). This variant has not been reported in the literature in individuals affected with SRCAP-related conditions. ClinVar contains an entry for this variant (Variation ID: 1417221). Invitae Evidence Modeling of protein sequence and biophysical properties (such as structural, functional, and spatial information, amino acid conservation, physicochemical variation, residue mobility, and thermodynamic stability) indicates that this missense variant is not expected to disrupt SRCAP protein function with a negative predictive value of 80%. In summary, the available evidence is currently insufficient to determine the role of this variant in disease. Therefore, it has been classified as a Variant of Uncertain Significance.

Ambry Genetics
Classification: Uncertain significance for Inborn genetic diseases. Last evaluated: 2023-09-22. Review status: criteria provided, single submitter. Criteria: Ambry Variant Classification Scheme 2023. Collection method: clinical testing. Allele origin: germline.